The following is an entry in ClinVar:

NM_016169.4(SUFU):c.756+3A>T

Gene: SUFU (SUFU negative regulator of hedgehog signaling; plus strand). Cytogenetic location: 10q24.32.
Variant type: single nucleotide variant.
Coding change: c.756+3A>T on transcript NM_016169.4 (MANE Select); 3 bases into the intron after coding-DNA position 756, A replaced by T.
Molecular consequence: intron variant.
Genome position (GRCh38, 1-based): chr10:102,594,068, A>T. VCF-style: chr10-102594068-A-T. GRCh37 (hg19) VCF-style: chr10-104353825-A-T.
Other names: c.756+3A>T (NM_001178133.2).
Identifiers: ClinVar variation 3363257 (VCV003363257.1).
Genomic context (GRCh38, chr10:102,594,068, plus strand): 5'-GCTGATAACTGACATGCGGAGGGGAGAGACCATATTTGAGATCGATCCACACCTGCAAGT[A>T]TGTCTTGAGTGAGGAAAACCTTTCTAGCACCCTGTGCCTAGGCCTCTTCCAAATAACACT-3'

ClinVar aggregate classification (germline): Uncertain significance (1 of 4 stars; one submission).

Submission:

GeneDx
Classification: Uncertain significance. Last evaluated: 2023-10-21. Review status: criteria provided, single submitter. Criteria: GeneDx Variant Classification Process June 2021. Collection method: clinical testing. Allele origin: germline. Affected: yes.
Comment: Not observed at significant frequency in large population cohorts (gnomAD); In silico analysis supports a deleterious effect on splicing; Has not been previously published as pathogenic or benign to our knowledge